The following is an entry in ClinVar:

ClinVar aggregate classification (germline): Uncertain significance (1 of 4 stars; one submission).

Conditions:
IFT172-related disorder. Also called: IFT172-related condition; IFT172-related disorders.

gnomAD v4.1: 3 of 1,614,070 alleles (0.00019%); highest among the groups gnomAD compares: South Asian, 0.0011%; no homozygotes.

Submission:

PreventionGenetics, part of Exact Sciences
Classification: Uncertain significance for IFT172-related condition. Last evaluated: 2026-08-13. Review status: criteria provided, single submitter. Criteria: ACMG Guidelines, 2015. Collection method: clinical testing. Allele origin: germline.
Comment: The IFT172 c.2314C>T variant is predicted to result in the amino acid substitution p.Leu772Phe. To our knowledge, this variant has not been reported in the literature. This variant is reported in 0.0033% of alleles in individuals of South Asian descent in gnomAD. At this time, the clinical significance of this variant is uncertain due to the absence of conclusive functional and genetic evidence.

NM_015662.3(IFT172):c.2314C>T (p.Leu772Phe)

Gene: IFT172 (intraflagellar transport 172; minus strand). Cytogenetic location: 2p23.3.
Variant type: single nucleotide variant.
Coding change: c.2314C>T on transcript NM_015662.3 (MANE Select); coding-DNA position 2314, C replaced by T.
Protein change: p.Leu772Phe; replaces leucine 772 with phenylalanine.
Molecular consequence: missense variant.
Genome position (GRCh38, 1-based): chr2:27,461,397, G>A on the plus strand (C>T on the coding strand, the complement: IFT172 is on the minus strand). VCF-style: chr2-27461397-G-A. GRCh37 (hg19) VCF-style: chr2-27684264-G-A.
Other names: c.2248C>T, p.Leu750Phe (NM_001410739.1); short protein forms L750F, L772F.
Identifiers: ClinVar variation 4993790 (VCV004993790.1).